The following is an entry in ClinVar:

ClinVar aggregate classification (germline): Conflicting classifications of pathogenicity. Review status: criteria provided, conflicting classifications (1 of 4 stars). 3 submissions from 3 submitters: Uncertain significance (2); Likely benign (1). Last evaluated 2025-06-27.

Conditions:
Charcot-Marie-Tooth disease axonal type 2O. Also called: CHARCOT-MARIE-TOOTH NEUROPATHY, AXONAL, TYPE 2O; Charcot-Marie-Tooth disease, axonal, type 20; CHARCOT-MARIE-TOOTH DISEASE, AXONAL, AUTOSOMAL DOMINANT, TYPE 2O; Charcot-Marie-Tooth Neuropathy Type 2O. Identifiers: Orphanet 284232, MedGen C3280220, MONDO:0013644, OMIM 614228.
DYNC1H1-related disorder. Also called: DYNC1H1-related condition; DYNC1H1-related disorders. Identifiers: MedGen CN381529.
Inborn genetic diseases. Identifiers: MedGen C0950123, MeSH D030342.

Allele frequency attached by ClinVar (database versions not stated): ExAC 0.00001; gnomAD exomes 0.00001.
gnomAD v4.1: 10 of 1,614,200 alleles (0.00062%); highest among the groups gnomAD compares: Admixed American, 0.0017%; no homozygotes.

Submissions (3):

PreventionGenetics, part of Exact Sciences
Classification: Uncertain significance for DYNC1H1-related condition. Last evaluated: 2025-06-27. Review status: criteria provided, single submitter. Criteria: ACMG Guidelines, 2015. Collection method: clinical testing. Allele origin: germline.
Comment: The DYNC1H1 c.13864G>A variant is predicted to result in the amino acid substitution p.Val4622Met. To our knowledge, this variant has not been reported in the literature. This variant is reported in 0.0018% of alleles in individuals of European (Non-Finnish) descent in gnomAD. At this time, the clinical significance of this variant is uncertain due to the absence of conclusive functional and genetic evidence.

Labcorp Genetics (formerly Invitae), Labcorp
Classification: Likely benign for Charcot-Marie-Tooth disease axonal type 2O. Last evaluated: 2024-11-13. Review status: criteria provided, single submitter. Criteria: Invitae Variant Classification Sherloc (09022015). Collection method: clinical testing. Allele origin: germline.

Ambry Genetics
Classification: Uncertain significance for Inborn genetic diseases. Last evaluated: 2022-10-26. Review status: criteria provided, single submitter. Criteria: Ambry Variant Classification Scheme 2023. Collection method: clinical testing. Allele origin: germline.

NM_001376.5(DYNC1H1):c.13864G>A (p.Val4622Met)

Gene: DYNC1H1 (dynein cytoplasmic 1 heavy chain 1; plus strand). Cytogenetic location: 14q32.31.
Variant type: single nucleotide variant.
Coding change: c.13864G>A on transcript NM_001376.5 (MANE Select); coding-DNA position 13864, G replaced by A.
Protein change: p.Val4622Met; replaces valine 4622 with methionine.
Molecular consequence: missense variant.
Genome position (GRCh38, 1-based): chr14:102,050,486, G>A. VCF-style: chr14-102050486-G-A. GRCh37 (hg19) VCF-style: chr14-102516823-G-A.
Other names: short protein forms V4622M.
Identifiers: ClinVar variation 1771390 (VCV001771390.6), dbSNP rs757007288, ClinGen allele CA7354383.